The following is an entry in ClinVar:

NM_000238.4(KCNH2):c.1378G>T (p.Asp460Tyr)

Gene: KCNH2 (potassium voltage-gated channel subfamily H member 2; minus strand). Cytogenetic location: 7q36.1.
Variant type: single nucleotide variant.
Coding change: c.1378G>T on transcript NM_000238.4 (MANE Select); coding-DNA position 1378, G replaced by T.
Protein change: p.Asp460Tyr; replaces aspartic acid 460 with tyrosine.
Molecular consequence: missense variant.
Genome position (GRCh38, 1-based): chr7:150,952,604, C>A on the plus strand (G>T on the coding strand, the complement: KCNH2 is on the minus strand). VCF-style: chr7-150952604-C-A. GRCh37 (hg19) VCF-style: chr7-150649692-C-A.
Other names: c.1378G>T (LRG_288t1); c.358G>T, p.Asp120Tyr (NM_001204798.2, NM_172057.3); c.1090G>T, p.Asp364Tyr (NM_001406753.1, NM_001406756.1); c.1201G>T, p.Asp401Tyr (NM_001406755.1); c.1078G>T, p.Asp360Tyr (NM_001406757.1); c.1378G>T, p.Asp460Tyr (NM_172056.3); short protein forms D120Y, D460Y, D360Y, D364Y, D401Y.
Identifiers: ClinVar variation 67192 (VCV000067192.3), dbSNP rs199472903, ClinGen allele CA004543.

ClinVar aggregate classification (germline): not provided (0 of 4 stars; one submission).

Conditions:
Familial long QT syndrome (RWS). Also called: Congenital long QT syndrome; Romano-Ward syndrome; VENTRICULAR FIBRILLATION WITH PROLONGED QT INTERVAL. Identifiers: Orphanet 768, MedGen C1141890, MONDO:0019171.

Submission:

Cardiovascular Biomedical Research Unit, Royal Brompton & Harefield NHS Foundation Trust
No classification provided. Condition: Familial long QT syndrome. Review status: no classification provided. Collection method: literature only. Allele origin: germline.
Comment: This variant has been reported as associated with Long QT syndrome in the following publications (PMID:16414944). This is a literature report, and does not necessarily reflect the clinical interpretation of the Imperial College / Royal Brompton Cardiovascular Genetics laboratory.

Literature cited by the submitters: PubMed 16414944; PubMed 22581653.